The following is an entry in ClinVar:

NM_013275.6(ANKRD11):c.6168C>T (p.Tyr2056=)

Gene: ANKRD11 (ankyrin repeat domain 11; minus strand). Cytogenetic location: 16q24.3.
Variant type: single nucleotide variant.
Coding change: c.6168C>T on transcript NM_013275.6 (MANE Select); coding-DNA position 6168, C replaced by T.
Protein change: p.Tyr2056=; no amino-acid change (tyrosine 2056 retained).
Molecular consequence: synonymous variant.
Genome position (GRCh38, 1-based): chr16:89,280,374, G>A on the plus strand (C>T on the coding strand, the complement: ANKRD11 is on the minus strand). VCF-style: chr16-89280374-G-A. GRCh37 (hg19) VCF-style: chr16-89346782-G-A.
Other names: c.6168C>T, p.Tyr2056= (NM_001256182.2, NM_001256183.2).
Identifiers: ClinVar variation 1113175 (VCV001113175.32), dbSNP rs535355840, ClinGen allele CA8241554.
Genomic context (GRCh38, chr16:89,280,374, plus strand): 5'-CGGGGCTTCCGGAAGTGACTTGCAGTTGCTGAAGAAGGACTCCAGCCCGGAGGGAGGGGC[G>A]TAGGGAGCCGCCTCTGAGGTGGAGATGGCGGCGGGGACGGCGTCCACTCCGTCCTTGACG-3'
Protein context (NP_037407.4, residues 2046-2066): AAISTSEAAP[Tyr2056=]APPSGLESFF

ClinVar aggregate classification (germline): Likely benign. Review status: criteria provided, multiple submitters, no conflicts (2 of 4 stars). 2 submissions from 2 submitters: Likely benign (2). Last evaluated 2022-12-01.

Conditions:
KBG syndrome (KBGS). Also called: ANKRD11-Related KBG Syndrome. Identifiers: Orphanet 2332, MedGen C0220687, MONDO:0007846, OMIM 148050.

Allele frequency attached by ClinVar (database versions not stated): gnomAD 0.00001; gnomAD exomes 0.00001 and 0.00002; TOPMed 0.00001; ExAC 0.00002; 1000 Genomes Project 30x 0.00016; 1000 Genomes Project 0.00020.
gnomAD v4.1: 13 of 1,563,324 alleles (0.00083%); highest among the groups gnomAD compares: Middle Eastern, 0.017%; no homozygotes.

Submissions (2):

CeGaT Center for Human Genetics Tuebingen
Classification: Likely benign. Last evaluated: 2022-12-01. Review status: criteria provided, single submitter. Criteria: CeGaT Center For Human Genetics Tuebingen Variant Classification Criteria Version 2. Collection method: clinical testing. Allele origin: germline. Affected: yes. Observed: 1 variant allele.
Comment: ANKRD11: BP4, BP7

Labcorp Genetics (formerly Invitae), Labcorp
Classification: Likely benign for KBG syndrome. Last evaluated: 2019-04-02. Review status: criteria provided, single submitter. Criteria: Invitae Variant Classification Sherloc (09022015). Collection method: clinical testing. Allele origin: germline.